The following is an entry in ClinVar:

NM_004369.4(COL6A3):c.5620A>G (p.Arg1874Gly)

Gene: COL6A3 (collagen type VI alpha 3 chain; minus strand). Cytogenetic location: 2q37.3.
Variant type: single nucleotide variant.
Coding change: c.5620A>G on transcript NM_004369.4 (MANE Select); coding-DNA position 5620, A replaced by G.
Protein change: p.Arg1874Gly; replaces arginine 1874 with glycine.
Molecular consequence: missense variant.
Genome position (GRCh38, 1-based): chr2:237,365,916, T>C on the plus strand (A>G on the coding strand, the complement: COL6A3 is on the minus strand). VCF-style: chr2-237365916-T-C. GRCh37 (hg19) VCF-style: chr2-238274559-T-C.
Other names: c.3799A>G, p.Arg1267Gly (NM_057166.5); c.5002A>G, p.Arg1668Gly (NM_057167.4); short protein forms R1267G, R1668G, R1874G.
Identifiers: ClinVar variation 3651853 (VCV003651853.2).

ClinVar aggregate classification (germline): Uncertain significance (1 of 4 stars; one submission).

Conditions:
Bethlem myopathy 1A. Also called: Bethlem myopathy 1; MYOPATHY, BENIGN CONGENITAL, WITH CONTRACTURES; Bethlem Muscular Dystrophy. Identifiers: Orphanet 610, MedGen CN029274, MONDO:0024530, OMIM 158810.

gnomAD v4.1: 1 of 1,614,178 alleles (0.000062%); highest among the groups gnomAD compares: Non-Finnish European, 0.000085%; no homozygotes.

Submission:

Labcorp Genetics (formerly Invitae), Labcorp
Classification: Uncertain significance for Bethlem myopathy 1A. Last evaluated: 2024-09-23. Review status: criteria provided, single submitter. Criteria: Invitae Variant Classification Sherloc (09022015). Collection method: clinical testing. Allele origin: germline.
Comment: This sequence change replaces arginine, which is basic and polar, with glycine, which is neutral and non-polar, at codon 1874 of the COL6A3 protein (p.Arg1874Gly). This variant is not present in population databases (gnomAD no frequency). This variant has not been reported in the literature in individuals affected with COL6A3-related conditions. Invitae Evidence Modeling of protein sequence and biophysical properties (such as structural, functional, and spatial information, amino acid conservation, physicochemical variation, residue mobility, and thermodynamic stability) indicates that this missense variant is not expected to disrupt COL6A3 protein function with a negative predictive value of 80%. In summary, the available evidence is currently insufficient to determine the role of this variant in disease. Therefore, it has been classified as a Variant of Uncertain Significance.